The following is an entry in ClinVar:

NM_001378609.3(OTOGL):c.2002A>C (p.Asn668His)

Gene: OTOGL (otogelin like; plus strand). Cytogenetic location: 12q21.31.
Variant type: single nucleotide variant.
Coding change: c.2002A>C on transcript NM_001378609.3 (MANE Select); coding-DNA position 2002, A replaced by C.
Protein change: p.Asn668His; replaces asparagine 668 with histidine.
Molecular consequence: missense variant.
Genome position (GRCh38, 1-based): chr12:80,262,081, A>C. VCF-style: chr12-80262081-A-C. GRCh37 (hg19) VCF-style: chr12-80655861-A-C.
Other names: c.2002A>C, p.Asn668His (NM_001368062.3, NM_001378610.3, NM_173591.7); short protein forms N668H.
Identifiers: ClinVar variation 1231084 (VCV001231084.23), dbSNP rs575237232, ClinGen allele CA6700642.
Genomic context (GRCh38, chr12:80,262,081, plus strand): 5'-AGAGTTTCTTCTACCTGTTTTGCACCTGTTCATGTCCCAGTGGTGGACCCCTGTAACATC[A>C]ATCAACAAAACAGTAAGTTTTGCATGTAAACTTCCTTTCTGCTGTAAACTTAGGGAAAAG-3'
Protein context (NP_001365538.2, residues 658-678): HVPVVDPCNI[Asn668His]QQNIGYAAHC

ClinVar aggregate classification (germline): Benign. Review status: criteria provided, multiple submitters, no conflicts (2 of 4 stars). 4 submissions from 4 submitters: Benign (3). 1 of the submissions does not count toward it. Last evaluated 2026-06-01.

Conditions:
OTOGL-related disorder. Also called: OTOGL-related condition.

Allele frequency attached by ClinVar (database versions not stated): gnomAD 0.00001 and 0.00044; TOPMed 0.00009; 1000 Genomes Project 0.00160; 1000 Genomes Project 30x 0.00172; ExAC 0.00188.
gnomAD v4.1: 1,297 of 1,607,922 alleles (0.081%); highest among the groups gnomAD compares: South Asian, 1.3%; 14 homozygotes.

Submissions (4):

CeGaT Center for Human Genetics Tuebingen
Classification: Benign. Last evaluated: 2026-06-01. Review status: criteria provided, single submitter. Criteria: CeGaT Center For Human Genetics Tuebingen Variant Classification Criteria Version 2. Collection method: clinical testing. Allele origin: germline. Affected: yes. Observed: 2 variant alleles.
Comment: OTOGL: BS1, BS2

Labcorp Genetics (formerly Invitae), Labcorp
Classification: Benign. Last evaluated: 2025-03-03. Review status: criteria provided, single submitter. Criteria: Invitae Variant Classification Sherloc (09022015). Collection method: clinical testing. Allele origin: germline.

GeneDx
Classification: Benign. Last evaluated: 2020-10-06. Review status: criteria provided, single submitter. Criteria: GeneDx Variant Classification Process June 2021. Collection method: clinical testing. Allele origin: germline. Affected: yes.

PreventionGenetics, part of Exact Sciences
Classification: Benign for OTOGL-related condition. Last evaluated: 2023-11-28. Review status: no assertion criteria provided. Collection method: clinical testing. Allele origin: germline. Not counted in ClinVar's aggregate classification.
Comment: This variant is classified as benign based on ACMG/AMP sequence variant interpretation guidelines (Richards et al. 2015 PMID: 25741868, with internal and published modifications).